The following is an entry in ClinVar:

ClinVar aggregate classification (germline): Uncertain significance. Review status: criteria provided, multiple submitters, no conflicts (2 of 4 stars). 2 submissions from 2 submitters: Uncertain significance (2). Last evaluated 2023-11-03.

Allele frequency attached by ClinVar (database versions not stated): TOPMed below 0.00001; gnomAD exomes 0.00002.
gnomAD v4.1: 9 of 1,614,216 alleles (0.00056%); highest among the groups gnomAD compares: Non-Finnish European, 0.00076%; no homozygotes.

Submissions (2):

Blueprint Genetics
Classification: Uncertain significance. Last evaluated: 2023-11-03. Review status: criteria provided, single submitter. Criteria: ACMG Guidelines, 2015. Collection method: clinical testing. Allele origin: germline.

Labcorp Genetics (formerly Invitae), Labcorp
Classification: Uncertain significance. Last evaluated: 2021-08-30. Review status: criteria provided, single submitter. Criteria: Invitae Variant Classification Sherloc (09022015). Collection method: clinical testing. Allele origin: germline.
Comment: This sequence change replaces histidine with aspartic acid at codon 3729 of the FAT4 protein (p.His3729Asp). The histidine residue is highly conserved and there is a moderate physicochemical difference between histidine and aspartic acid. This variant is not present in population databases (ExAC no frequency). This variant has not been reported in the literature in individuals affected with FAT4-related conditions. Advanced modeling of protein sequence and biophysical properties (such as structural, functional, and spatial information, amino acid conservation, physicochemical variation, residue mobility, and thermodynamic stability) performed at Invitae indicates that this missense variant is not expected to disrupt FAT4 protein function. In summary, the available evidence is currently insufficient to determine the role of this variant in disease. Therefore, it has been classified as a Variant of Uncertain Significance.

NM_001291303.3(FAT4):c.11191C>G (p.His3731Asp)

Gene: FAT4 (FAT atypical cadherin 4; plus strand). Cytogenetic location: 4q28.1.
Variant type: single nucleotide variant.
Coding change: c.11191C>G on transcript NM_001291303.3 (MANE Select); coding-DNA position 11191, C replaced by G.
Protein change: p.His3731Asp; replaces histidine 3731 with aspartic acid.
Molecular consequence: missense variant.
Genome position (GRCh38, 1-based): chr4:125,452,201, C>G. VCF-style: chr4-125452201-C-G. GRCh37 (hg19) VCF-style: chr4-126373356-C-G.
Other names: c.11191C>G, p.His3731Asp (NM_001291285.3); c.11185C>G, p.His3729Asp (NM_024582.6); short protein forms H3731D, H3729D.
Identifiers: ClinVar variation 1429224 (VCV001429224.6), dbSNP rs1389488510, ClinGen allele CA358161635.